The following is an entry in ClinVar:

ClinVar aggregate classification (germline): Uncertain significance (1 of 4 stars; one submission).

Conditions:
Hawkinsinuria. Identifiers: Orphanet 2118, MedGen C2931042, MONDO:0007700, OMIM 140350, HP:0034457.
Tyrosinemia type III. Also called: 4-HYDROXYPHENYLPYRUVIC ACID OXIDASE DEFICIENCY; Tyrosinemia type 3; 4-alpha hydroxyphenylpyruvic acid oxidase deficiency; 4-alpha hydroxyphenylpyruvate dioxygenase deficiency; 4-Hydroxyphenylpyruvate dioxygenase deficiency. Identifiers: Orphanet 69723, MedGen C0268623, MONDO:0010162, OMIM 276710.

Allele frequency attached by ClinVar (database versions not stated): gnomAD exomes below 0.00001 and 0.00001; TOPMed below 0.00001.
gnomAD v4.1: 5 of 1,614,214 alleles (0.00031%); highest among the groups gnomAD compares: Non-Finnish European, 0.00034%; no homozygotes.

Submission:

Labcorp Genetics (formerly Invitae), Labcorp
Classification: Uncertain significance for Tyrosinemia type III; Hawkinsinuria. Last evaluated: 2021-08-13. Review status: criteria provided, single submitter. Criteria: Invitae Variant Classification Sherloc (09022015). Collection method: clinical testing. Allele origin: germline.
Comment: This sequence change replaces glutamic acid with lysine at codon 374 of the HPD protein (p.Glu374Lys). The glutamic acid residue is moderately conserved and there is a small physicochemical difference between glutamic acid and lysine. This variant is not present in population databases (ExAC no frequency). This missense change has been observed in individual(s) with clinical features of HPD-related conditions (Invitae). Algorithms developed to predict the effect of missense changes on protein structure and function are either unavailable or do not agree on the potential impact of this missense change (SIFT: "Deleterious"; PolyPhen-2: "Possibly Damaging"; Align-GVGD: "Class C0"). In summary, the available evidence is currently insufficient to determine the role of this variant in disease. Therefore, it has been classified as a Variant of Uncertain Significance.

NM_002150.3(HPD):c.1120G>A (p.Glu374Lys)

Genes: HPD (4-hydroxyphenylpyruvate dioxygenase; minus strand), TIALD (transcript inducer of AURKA lysosomal degradation; plus strand). Cytogenetic location: 12q24.31.
Variant type: single nucleotide variant.
Coding change: c.1120G>A on transcript NM_002150.3 (MANE Select); coding-DNA position 1120, G replaced by A.
Protein change: p.Glu374Lys; replaces glutamic acid 374 with lysine.
Molecular consequence: missense variant.
Genome position (GRCh38, 1-based): chr12:121,839,790, C>T on the plus strand (G>A on the coding strand, the complement: HPD is on the minus strand). VCF-style: chr12-121839790-C-T. GRCh37 (hg19) VCF-style: chr12-122277696-C-T.
Other names: c.1003G>A, p.Glu335Lys (NM_001171993.2); short protein forms E374K, E335K.
Identifiers: ClinVar variation 638895 (VCV000638895.6), dbSNP rs1020099831, ClinGen allele CA244667633.
Genomic context (GRCh38, chr12:121,839,790, plus strand): 5'-ACATGCCGGGCACCACCCCATTGGTCTCCATGTTGGTGAGGTTACCCCGCAGGTTCTGCT[C>T]CTCCTCGAAAGCCTTGAACAGTGAGTTGAAGTTGCCGGCTCCAAAACCCTGTGGCGGGAA-3'
Protein context (NP_002141.2, residues 364-384): FNSLFKAFEE[Glu374Lys]QNLRGNLTNM